The following is an entry in ClinVar:

NM_000782.5(CYP24A1):c.1366G>C (p.Gly456Arg)

Gene: CYP24A1 (cytochrome P450 family 24 subfamily A member 1; minus strand). Cytogenetic location: 20q13.2.
Variant type: single nucleotide variant.
Coding change: c.1366G>C on transcript NM_000782.5 (MANE Select); coding-DNA position 1366, G replaced by C.
Protein change: p.Gly456Arg; replaces glycine 456 with arginine.
Molecular consequence: missense variant. On other transcripts: intron variant (1).
Genome position (GRCh38, 1-based): chr20:54,157,456, C>G on the plus strand (G>C on the coding strand, the complement: CYP24A1 is on the minus strand). VCF-style: chr20-54157456-C-G. GRCh37 (hg19) VCF-style: chr20-52773995-C-G.
Other names: c.1237-167G>C (NM_001128915.2); short protein forms G456R.
Identifiers: ClinVar variation 1354397 (VCV001354397.3), dbSNP rs748429181, ClinGen allele CA9915805.
Genomic context (GRCh38, chr20:54,157,456, plus strand): 5'-GAGCCAAATGCAGTTGAAGCTCTGCTAATCGGCGACCAATGCACATTCTTTTTCCAACGC[C>G]AAATGGAAGATGCGCAAAAGGATTAATTTTTTCCTTCTCCTGAAGCCAACGTTCAGGTCT-3'
Protein context (NP_000773.2, residues 446-466): KINPFAHLPF[Gly456Arg]VGKRMCIGRR

ClinVar aggregate classification (germline): Uncertain significance (1 of 4 stars; one submission).

gnomAD v4.1: 20 of 1,603,198 alleles (0.0012%); highest among the groups gnomAD compares: Middle Eastern, 0.017%; no homozygotes.

Submission:

Labcorp Genetics (formerly Invitae), Labcorp
Classification: Uncertain significance. Last evaluated: 2021-12-03. Review status: criteria provided, single submitter. Criteria: Invitae Variant Classification Sherloc (09022015). Collection method: clinical testing. Allele origin: germline.
Comment: This sequence change replaces glycine, which is neutral and non-polar, with arginine, which is basic and polar, at codon 456 of the CYP24A1 protein (p.Gly456Arg). This variant is present in population databases (rs748429181, gnomAD 0.002%). This missense change has been observed in individual(s) with infantile hypercalcemia (Invitae). Advanced modeling of protein sequence and biophysical properties (such as structural, functional, and spatial information, amino acid conservation, physicochemical variation, residue mobility, and thermodynamic stability) performed at Invitae indicates that this missense variant is expected to disrupt CYP24A1 protein function. In summary, the available evidence is currently insufficient to determine the role of this variant in disease. Therefore, it has been classified as a Variant of Uncertain Significance.